The following is an entry in ClinVar:

NM_004525.3(LRP2):c.10106G>A (p.Gly3369Asp)

Gene: LRP2 (LDL receptor related protein 2; minus strand). Cytogenetic location: 2q31.1.
Variant type: single nucleotide variant.
Coding change: c.10106G>A on transcript NM_004525.3 (MANE Select); coding-DNA position 10106, G replaced by A.
Protein change: p.Gly3369Asp; replaces glycine 3369 with aspartic acid.
Molecular consequence: missense variant.
Genome position (GRCh38, 1-based): chr2:169,181,511, C>T on the plus strand (G>A on the coding strand, the complement: LRP2 is on the minus strand). VCF-style: chr2-169181511-C-T. GRCh37 (hg19) VCF-style: chr2-170038021-C-T.
Other names: short protein forms G3369D.
Identifiers: ClinVar variation 1493420 (VCV001493420.6), dbSNP rs2105294504, ClinGen allele CA349150927.

ClinVar aggregate classification (germline): Uncertain significance (1 of 4 stars; one submission).

gnomAD v4.1: 1 of 1,614,102 alleles (0.000062%); highest among the groups gnomAD compares: Non-Finnish European, 0.000085%; no homozygotes.

Submission:

Labcorp Genetics (formerly Invitae), Labcorp
Classification: Uncertain significance. Last evaluated: 2023-11-28. Review status: criteria provided, single submitter. Criteria: Invitae Variant Classification Sherloc (09022015). Collection method: clinical testing. Allele origin: germline.
Comment: This sequence change replaces glycine, which is neutral and non-polar, with aspartic acid, which is acidic and polar, at codon 3369 of the LRP2 protein (p.Gly3369Asp). This variant is not present in population databases (gnomAD no frequency). This variant has not been reported in the literature in individuals affected with LRP2-related conditions. ClinVar contains an entry for this variant (Variation ID: 1493420). Advanced modeling of protein sequence and biophysical properties (such as structural, functional, and spatial information, amino acid conservation, physicochemical variation, residue mobility, and thermodynamic stability) performed at Invitae indicates that this missense variant is expected to disrupt LRP2 protein function with a positive predictive value of 95%. In summary, the available evidence is currently insufficient to determine the role of this variant in disease. Therefore, it has been classified as a Variant of Uncertain Significance.